The following is an entry in ClinVar:

NM_025074.7(FRAS1):c.7744A>C (p.Asn2582His)

Gene: FRAS1 (Fraser extracellular matrix complex subunit 1; plus strand). Cytogenetic location: 4q21.21.
Variant type: single nucleotide variant.
Coding change: c.7744A>C on transcript NM_025074.7 (MANE Select); coding-DNA position 7744, A replaced by C.
Protein change: p.Asn2582His; replaces asparagine 2582 with histidine.
Molecular consequence: missense variant.
Genome position (GRCh38, 1-based): chr4:78,475,499, A>C. VCF-style: chr4-78475499-A-C. GRCh37 (hg19) VCF-style: chr4-79396653-A-C.
Other names: short protein forms N2582H.
Identifiers: ClinVar variation 653607 (VCV000653607.8), dbSNP rs774114715, ClinGen allele CA2978198.

ClinVar aggregate classification (germline): Uncertain significance. Review status: criteria provided, multiple submitters, no conflicts (2 of 4 stars). 5 submissions from 5 submitters: Uncertain significance (5). Last evaluated 2025-07-30.

Conditions:
FRAS1-related disorder. Also called: FRAS1-related condition.
Fraser syndrome 1 (FRASRS1). Also called: CRYPTOPHTHALMOS WITH OTHER MALFORMATIONS. Identifiers: Orphanet 2052, MedGen C4551480, MONDO:0054737, OMIM 219000.
Inborn genetic diseases. Identifiers: MedGen C0950123, MeSH D030342.

Allele frequency attached by ClinVar (database versions not stated): gnomAD 0.00002 and 0.00003; TOPMed 0.00003; gnomAD exomes below 0.00001 and 0.00001; ExAC 0.00001.
gnomAD v4.1: 38 of 1,613,918 alleles (0.0024%); highest among the groups gnomAD compares: East Asian, 0.011%; 1 homozygote.

Submissions (5):

PreventionGenetics, part of Exact Sciences
Classification: Uncertain significance for FRAS1-related condition. Last evaluated: 2025-07-30. Review status: criteria provided, single submitter. Criteria: ACMG Guidelines, 2015. Collection method: clinical testing. Allele origin: germline.
Comment: The FRAS1 c.7744A>C variant is predicted to result in the amino acid substitution p.Asn2582His. To our knowledge, this variant has not been reported in the literature. This variant is present in 0.010% of alleles in individuals of East Asian descent in gnomAD. At this time, the clinical significance of this variant is uncertain due to the absence of conclusive functional and genetic evidence.

Ambry Genetics
Classification: Uncertain significance for Inborn genetic diseases. Last evaluated: 2024-11-23. Review status: criteria provided, single submitter. Criteria: Ambry Variant Classification Scheme 2023. Collection method: clinical testing. Allele origin: germline.

Fulgent Genetics
Classification: Uncertain significance for Fraser syndrome 1. Last evaluated: 2024-06-05. Review status: criteria provided, single submitter. Criteria: ACMG Guidelines, 2015. Collection method: clinical testing. Allele origin: germline.

Labcorp Genetics (formerly Invitae), Labcorp
Classification: Uncertain significance. Last evaluated: 2022-10-04. Review status: criteria provided, single submitter. Criteria: Invitae Variant Classification Sherloc (09022015). Collection method: clinical testing. Allele origin: germline.
Comment: This sequence change replaces asparagine, which is neutral and polar, with histidine, which is basic and polar, at codon 2582 of the FRAS1 protein (p.Asn2582His). This variant is present in population databases (rs774114715, gnomAD 0.02%). This variant has not been reported in the literature in individuals affected with FRAS1-related conditions. ClinVar contains an entry for this variant (Variation ID: 653607). Advanced modeling of protein sequence and biophysical properties (such as structural, functional, and spatial information, amino acid conservation, physicochemical variation, residue mobility, and thermodynamic stability) performed at Invitae indicates that this missense variant is expected to disrupt FRAS1 protein function. In summary, the available evidence is currently insufficient to determine the role of this variant in disease. Therefore, it has been classified as a Variant of Uncertain Significance.

Revvity Omics, Revvity
Classification: Uncertain significance for Fraser syndrome 1. Last evaluated: 2021-07-22. Review status: criteria provided, single submitter. Criteria: ACMG Guidelines, 2015. Collection method: clinical testing. Allele origin: germline.